The following is an entry in ClinVar:

NM_001003694.2(BRPF1):c.1229A>G (p.His410Arg)

Gene: BRPF1 (bromodomain and PHD finger containing 1; plus strand). Cytogenetic location: 3p25.3.
Variant type: single nucleotide variant.
Coding change: c.1229A>G on transcript NM_001003694.2 (MANE Select); coding-DNA position 1229, A replaced by G.
Protein change: p.His410Arg; replaces histidine 410 with arginine.
Molecular consequence: missense variant. On other transcripts: non-coding transcript variant (1).
Genome position (GRCh38, 1-based): chr3:9,739,628, A>G. VCF-style: chr3-9739628-A-G. GRCh37 (hg19) VCF-style: chr3-9781312-A-G.
Other names: c.1229A>G, p.His410Arg (NM_001319049.2, NM_001319050.2, NM_004634.3); short protein forms H410R.
Identifiers: ClinVar variation 1303998 (VCV001303998.2), dbSNP rs2125500971, ClinGen allele CA351687560.

ClinVar aggregate classification (germline): Uncertain significance (1 of 4 stars; one submission).

Submission:

GeneDx
Classification: Uncertain significance. Last evaluated: 2020-06-16. Review status: criteria provided, single submitter. Criteria: GeneDx Variant Classification Process June 2021. Collection method: clinical testing. Allele origin: germline. Affected: yes.
Comment: Not observed in large population cohorts (Lek et al., 2016); This variant is associated with the following publications: (PMID: 32010779)